The following is an entry in ClinVar:

NM_001009944.3(PKD1):c.7928G>C (p.Arg2643Pro)

Gene: PKD1 (polycystin 1, transient receptor potential channel interacting; minus strand). Cytogenetic location: 16p13.3.
Variant type: single nucleotide variant.
Coding change: c.7928G>C on transcript NM_001009944.3 (MANE Select); coding-DNA position 7928, G replaced by C.
Protein change: p.Arg2643Pro; replaces arginine 2643 with proline.
Molecular consequence: missense variant.
Genome position (GRCh38, 1-based): chr16:2,105,410, C>G on the plus strand (G>C on the coding strand, the complement: PKD1 is on the minus strand). VCF-style: chr16-2105410-C-G. GRCh37 (hg19) VCF-style: chr16-2155411-C-G.
Other names: c.7928G>C, p.Arg2643Pro (NM_000296.4); short protein forms R2643P.
Identifiers: ClinVar variation 3378011 (VCV003378011.1).

ClinVar aggregate classification (germline): Likely pathogenic (1 of 4 stars; one submission).

Submission:

GeneDx
Classification: Likely pathogenic. Last evaluated: 2024-05-17. Review status: criteria provided, single submitter. Criteria: GeneDx Variant Classification Process June 2021. Collection method: clinical testing. Allele origin: germline. Affected: yes.
Comment: Identified in a patient belonging to a cohort of patients with autosomal dominant polycystic kidney disease in published literature (PMID: 27499327); Not observed at significant frequency in large population cohorts (gnomAD); In silico analysis supports that this missense variant has a deleterious effect on protein structure/function; This variant is associated with the following publications: (PMID: 27499327)